The following is an entry in ClinVar:

NM_001278512.2(AP3B2):c.957G>A (p.Ala319=)

Genes: AP3B2 (adaptor related protein complex 3 subunit beta 2; minus strand), CPEB1-AS1 (CPEB1 antisense RNA 1; plus strand). Cytogenetic location: 15q25.2.
Variant type: single nucleotide variant.
Coding change: c.957G>A on transcript NM_001278512.2 (MANE Select); coding-DNA position 957, G replaced by A.
Protein change: p.Ala319=; no amino-acid change (alanine 319 retained).
Molecular consequence: synonymous variant.
Genome position (GRCh38, 1-based): chr15:82,680,570, C>T on the plus strand (G>A on the coding strand, the complement: AP3B2 is on the minus strand). VCF-style: chr15-82680570-C-T. GRCh37 (hg19) VCF-style: chr15-83349322-C-T.
Other names: c.957G>A (NM_004644.4); c.861G>A, p.Ala287= (NM_001278511.2); c.957G>A, p.Ala319= (NM_004644.5).
Identifiers: ClinVar variation 1620553 (VCV001620553.10), dbSNP rs773263641, ClinGen allele CA7700361.

ClinVar aggregate classification (germline): Likely benign. Review status: criteria provided, single submitter (1 of 4 stars). 2 submissions from 2 submitters: Likely benign (1). 1 of the submissions does not count toward it. Last evaluated 2025-11-13.

Conditions:
AP3B2-related disorder. Also called: AP3B2-related condition.

Allele frequency attached by ClinVar (database versions not stated): gnomAD exomes 0.00002; ExAC 0.00003; TOPMed 0.00012; gnomAD 0.00014 and 0.00015.
gnomAD v4.1: 47 of 1,582,816 alleles (0.003%); highest among the groups gnomAD compares: African/African-American, 0.036%; no homozygotes.

Submissions (2):

Labcorp Genetics (formerly Invitae), Labcorp
Classification: Likely benign. Last evaluated: 2025-11-13. Review status: criteria provided, single submitter. Criteria: Invitae Variant Classification Sherloc (09022015). Collection method: clinical testing. Allele origin: germline.

PreventionGenetics, part of Exact Sciences
Classification: Likely benign for AP3B2-related condition. Last evaluated: 2019-12-26. Review status: no assertion criteria provided. Collection method: clinical testing. Allele origin: germline. Not counted in ClinVar's aggregate classification.
Comment: This variant is classified as likely benign based on ACMG/AMP sequence variant interpretation guidelines (Richards et al. 2015 PMID: 25741868, with internal and published modifications).